The following is an entry in ClinVar:

NM_001830.4(CLCN4):c.1355A>G (p.Lys452Arg)

Gene: CLCN4 (Cl-/H+ antiporter 4; plus strand). Cytogenetic location: Xp22.2.
Variant type: single nucleotide variant.
Coding change: c.1355A>G on transcript NM_001830.4 (MANE Select); coding-DNA position 1355, A replaced by G.
Protein change: p.Lys452Arg; replaces lysine 452 with arginine.
Molecular consequence: missense variant.
Genome position (GRCh38, 1-based): chrX:10,208,556, A>G. VCF-style: chrX-10208556-A-G. GRCh37 (hg19) VCF-style: chrX-10176596-A-G.
Other names: c.1073A>G, p.Lys358Arg (NM_001256944.2); short protein forms K358R, K452R.
Identifiers: ClinVar variation 4976124 (VCV004976124.1).

ClinVar aggregate classification (germline): Uncertain significance (1 of 4 stars; one submission).

Submission:

GeneDx
Classification: Uncertain significance. Last evaluated: 2026-02-03. Review status: criteria provided, single submitter. Criteria: GeneDx Variant Classification Process June 2021. Collection method: clinical testing. Allele origin: germline.
Comment: Not observed at significant frequency in large population cohorts (gnomAD); In silico analysis supports that this missense variant has a deleterious effect on protein structure/function; Has not been previously published as pathogenic or benign to our knowledge